The following is an entry in ClinVar:

ClinVar aggregate classification (germline): Uncertain significance. Review status: criteria provided, multiple submitters, no conflicts (2 of 4 stars). 4 submissions from 4 submitters: Uncertain significance (4). Last evaluated 2025-08-30.

Conditions:
Familial thoracic aortic aneurysm and aortic dissection (TAAD). Also called: Thoracic aortic aneurysms and dissections. Identifiers: Orphanet 91387, MedGen C4707243, MONDO:0019625.
Aneurysm-osteoarthritis syndrome. Also called: ANEURYSMS-OSTEOARTHRITIS SYNDROME; Loeys-Dietz syndrome, type 1C; SMAD3-Related Loeys-Dietz Syndrome; LOEYS-DIETZ SYNDROME WITH OSTEOARTHRITIS. Identifiers: Orphanet 284984, MedGen C3151087, MONDO:0013426, OMIM 613795.

Allele frequency attached by ClinVar (database versions not stated): gnomAD 0.00001.
gnomAD v4.1: 3 of 1,614,196 alleles (0.00019%); highest among the groups gnomAD compares: Middle Eastern, 0.033%; no homozygotes.

Submissions (4):

Ambry Genetics
Classification: Uncertain significance for Familial thoracic aortic aneurysm and aortic dissection. Last evaluated: 2025-08-30. Review status: criteria provided, single submitter. Criteria: Ambry Variant Classification Scheme 2023. Collection method: clinical testing. Allele origin: germline.
Comment: The p.L108M variant (also known as c.322C>A), located in coding exon 2 of the SMAD3 gene, results from a C to A substitution at nucleotide position 322. The leucine at codon 108 is replaced by methionine, an amino acid with highly similar properties. This amino acid position is conserved. In addition, this alteration is predicted to be tolerated by in silico analysis. Based on the available evidence, the clinical significance of this variant remains unclear.

Labcorp Genetics (formerly Invitae), Labcorp
Classification: Uncertain significance for Familial thoracic aortic aneurysm and aortic dissection. Last evaluated: 2025-04-23. Review status: criteria provided, single submitter. Criteria: Invitae Variant Classification Sherloc (09022015). Collection method: clinical testing. Allele origin: germline.
Comment: This sequence change replaces leucine, which is neutral and non-polar, with methionine, which is neutral and non-polar, at codon 108 of the SMAD3 protein (p.Leu108Met). This variant is not present in population databases (gnomAD no frequency). This variant has not been reported in the literature in individuals affected with SMAD3-related conditions. ClinVar contains an entry for this variant (Variation ID: 1171089). Invitae Evidence Modeling of protein sequence and biophysical properties (such as structural, functional, and spatial information, amino acid conservation, physicochemical variation, residue mobility, and thermodynamic stability) indicates that this missense variant is not expected to disrupt SMAD3 protein function with a negative predictive value of 80%. In summary, the available evidence is currently insufficient to determine the role of this variant in disease. Therefore, it has been classified as a Variant of Uncertain Significance.

All of Us Research Program, National Institutes of Health
Classification: Uncertain significance for Aneurysm-osteoarthritis syndrome. Last evaluated: 2023-05-16. Review status: criteria provided, single submitter. Criteria: ACMG Guidelines, 2015. Collection method: clinical testing. Allele origin: germline. Inheritance: Autosomal dominant inheritance. Observed: 1 variant allele, 1 heterozygote.
Comment: This missense variant replaces leucine with methionine at codon 108 of the SMAD3 protein. Computational prediction suggests that this variant may not impact protein structure and function (internally defined REVEL score threshold <= 0.5, PMID: 27666373). To our knowledge, functional studies have not been reported for this variant. This variant has not been reported in individuals affected with cardiovascular disorders in the literature. This variant has not been identified in the general population by the Genome Aggregation Database (gnomAD). The available evidence is insufficient to determine the role of this variant in disease conclusively. Therefore, this variant is classified as a Variant of Uncertain Significance.

This study involves interpretation of variants in research participants for the purpose of population health screening. Participant phenotype was not available at the time of variant classification. Additional details can be found in publication PMID: 35346344, PMCID: PMC8962531

Color Diagnostics, LLC DBA Color Health
Classification: Uncertain significance for Familial thoracic aortic aneurysm and aortic dissection. Last evaluated: 2023-04-25. Review status: criteria provided, single submitter. Criteria: ACMG Guidelines, 2015. Collection method: clinical testing. Allele origin: germline.
Comment: This missense variant replaces leucine with methionine at codon 108 of the SMAD3 protein. Computational prediction suggests that this variant may not impact protein structure and function (internally defined REVEL score threshold <= 0.5, PMID: 27666373). To our knowledge, functional studies have not been reported for this variant. This variant has not been reported in individuals affected with cardiovascular disorders in the literature. This variant has not been identified in the general population by the Genome Aggregation Database (gnomAD). The available evidence is insufficient to determine the role of this variant in disease conclusively. Therefore, this variant is classified as a Variant of Uncertain Significance.

NM_005902.4(SMAD3):c.322C>A (p.Leu108Met)

Gene: SMAD3 (SMAD family member 3; plus strand). Cytogenetic location: 15q22.33.
Variant type: single nucleotide variant.
Coding change: c.322C>A on transcript NM_005902.4 (MANE Select); coding-DNA position 322, C replaced by A.
Protein change: p.Leu108Met; replaces leucine 108 with methionine.
Molecular consequence: missense variant.
Genome position (GRCh38, 1-based): chr15:67,165,010, C>A. VCF-style: chr15-67165010-C-A. GRCh37 (hg19) VCF-style: chr15-67457348-C-A.
Other names: c.7C>A, p.Leu3Met (NM_001145102.2); c.190C>A, p.Leu64Met (NM_001145103.2); short protein forms L108M, L3M, L64M.
Identifiers: ClinVar variation 1171089 (VCV001171089.7), dbSNP rs1595941782, ClinGen allele CA392954027.